The following is an entry in ClinVar:

NM_001267550.2(TTN):c.54000G>A (p.Trp18000Ter)

Genes: TTN (titin; minus strand), TTN-AS1 (TTN antisense RNA 1; plus strand). Cytogenetic location: 2q31.2.
Variant type: single nucleotide variant.
Coding change: c.54000G>A on transcript NM_001267550.2 (MANE Select); coding-DNA position 54000, G replaced by A.
Protein change: p.Trp18000Ter; replaces tryptophan 18000 with a stop codon.
Molecular consequence: nonsense. On other transcripts: non-coding transcript variant (1).
Genome position (GRCh38, 1-based): chr2:178,605,177, C>T on the plus strand (G>A on the coding strand, the complement: TTN is on the minus strand). VCF-style: chr2-178605177-C-T. GRCh37 (hg19) VCF-style: chr2-179469904-C-T.
Other names: c.49077G>A, p.Trp16359Ter (NM_001256850.1); c.26805G>A, p.Trp8935Ter (NM_003319.4); c.46296G>A, p.Trp15432Ter (NM_133378.4); c.27180G>A, p.Trp9060Ter (NM_133432.3); c.27381G>A, p.Trp9127Ter (NM_133437.4); short protein forms W18000*, W9060*, W8935*, W15432*, W16359*, W9127*.
Identifiers: ClinVar variation 940605 (VCV000940605.9), dbSNP rs72646813, ClinGen allele CA60980503.

ClinVar aggregate classification (germline): Pathogenic. Review status: criteria provided, multiple submitters, no conflicts (2 of 4 stars). 2 submissions from 2 submitters: Pathogenic (2). Last evaluated 2024-07-08.

Conditions:
Dilated cardiomyopathy 1G (CMD1G). Identifiers: Orphanet 154, MedGen C1858763, MONDO:0011400, OMIM 604145.
Autosomal recessive limb-girdle muscular dystrophy type 2J (LGMDR10). Also called: Limb-girdle muscular dystrophy, type 2J; MUSCULAR DYSTROPHY, LIMB-GIRDLE, AUTOSOMAL RECESSIVE 10. Identifiers: Orphanet 140922, MedGen C1837342, MONDO:0012127, OMIM 608807.

Submissions (2):

Labcorp Genetics (formerly Invitae), Labcorp
Classification: Pathogenic for Dilated cardiomyopathy 1G; Autosomal recessive limb-girdle muscular dystrophy type 2J. Last evaluated: 2024-07-08. Review status: criteria provided, single submitter. Criteria: Invitae Variant Classification Sherloc (09022015). Collection method: clinical testing. Allele origin: germline.
Comment: This sequence change creates a premature translational stop signal (p.Trp18000*) in the TTN gene. While this is not anticipated to result in nonsense mediated decay, it is expected to create a truncated TTN protein. This variant is not present in population databases (gnomAD no frequency). This premature translational stop signal has been observed in individuals with dilated cardiomyopathy (PMID: 22335739, 36396199; Invitae). This variant is also known as c.49077G>A, p.Trp16359X. ClinVar contains an entry for this variant (Variation ID: 940605). This variant is located in the A band of TTN (PMID: 25589632). Truncating variants in this region are significantly overrepresented in patients affected with dilated cardiomyopathy (PMID: 25589632). Truncating variants in this region have also been reported in individuals affected with autosomal recessive centronuclear myopathy (PMID: 23975875). For these reasons, this variant has been classified as Pathogenic.

3billion
Classification: Pathogenic for Dilated cardiomyopathy 1G. Last evaluated: 2022-09-01. Review status: criteria provided, single submitter. Criteria: ACMG Guidelines, 2015. Collection method: clinical testing. Allele origin: germline. Affected: yes. Observed: 1 heterozygote.
Comment: The variant is not observed in the gnomAD v2.1.1 dataset. Stop-gained (nonsense) is predicted to result in a loss or disruption of normal protein function through nonsense-mediated decay (NMD) or protein truncation. Multiple pathogenic variants are reported downstream of the variant. The variant has been reported to be associated with TTN-related disorder (ClinVar ID: VCV000940605 / PMID: 22335739). Therefore, this variant is classified as Pathogenic according to the recommendation of ACMG/AMP guideline.

Literature cited by the submitters: PubMed 22335739 (cited by Labcorp Genetics (formerly Invitae), Labcorp and 3billion); PubMed 36396199 (cited by Labcorp Genetics (formerly Invitae), Labcorp); PubMed 25589632 (cited by Labcorp Genetics (formerly Invitae), Labcorp); PubMed 23975875 (cited by Labcorp Genetics (formerly Invitae), Labcorp).